The following is an entry in ClinVar:

NM_001378452.1(ITPR1):c.694G>A (p.Asp232Asn)

Gene: ITPR1 (inositol 1,4,5-trisphosphate receptor type 1; plus strand). Cytogenetic location: 3p26.1.
Variant type: single nucleotide variant.
Coding change: c.694G>A on transcript NM_001378452.1 (MANE Select); coding-DNA position 694, G replaced by A.
Protein change: p.Asp232Asn; replaces aspartic acid 232 with asparagine.
Molecular consequence: missense variant.
Genome position (GRCh38, 1-based): chr3:4,645,456, G>A. VCF-style: chr3-4645456-G-A. GRCh37 (hg19) VCF-style: chr3-4687140-G-A.
Other names: c.694G>A, p.Asp232Asn (NM_001099952.4, NM_001168272.2, NM_002222.7); short protein forms D232N.
Identifiers: ClinVar variation 2052534 (VCV002052534.4), dbSNP rs1446490041, ClinGen allele CA351636318.

ClinVar aggregate classification (germline): Uncertain significance (1 of 4 stars; one submission).

Allele frequency attached by ClinVar (database versions not stated): TOPMed 0.00001.
gnomAD v4.1: 8 of 1,612,724 alleles (0.0005%); highest among the groups gnomAD compares: South Asian, 0.0022%; no homozygotes.

Submission:

Labcorp Genetics (formerly Invitae), Labcorp
Classification: Uncertain significance. Last evaluated: 2024-10-08. Review status: criteria provided, single submitter. Criteria: Invitae Variant Classification Sherloc (09022015). Collection method: clinical testing. Allele origin: germline.
Comment: This sequence change replaces aspartic acid, which is acidic and polar, with asparagine, which is neutral and polar, at codon 232 of the ITPR1 protein (p.Asp232Asn). This variant is not present in population databases (gnomAD no frequency). This variant has not been reported in the literature in individuals affected with ITPR1-related conditions. ClinVar contains an entry for this variant (Variation ID: 2052534). Invitae Evidence Modeling of protein sequence and biophysical properties (such as structural, functional, and spatial information, amino acid conservation, physicochemical variation, residue mobility, and thermodynamic stability) indicates that this missense variant is not expected to disrupt ITPR1 protein function with a negative predictive value of 95%. In summary, the available evidence is currently insufficient to determine the role of this variant in disease. Therefore, it has been classified as a Variant of Uncertain Significance.